The following is an entry in ClinVar:

NM_005869.4(CWC27):c.121A>G (p.Ile41Val)

Gene: CWC27 (CWC27 spliceosome associated cyclophilin; plus strand). Cytogenetic location: 5q12.3.
Variant type: single nucleotide variant.
Coding change: c.121A>G on transcript NM_005869.4 (MANE Select); coding-DNA position 121, A replaced by G.
Protein change: p.Ile41Val; replaces isoleucine 41 with valine.
Molecular consequence: missense variant.
Genome position (GRCh38, 1-based): chr5:64,774,769, A>G. VCF-style: chr5-64774769-A-G. GRCh37 (hg19) VCF-style: chr5-64070596-A-G.
Other names: c.121A>G, p.Ile41Val (NM_001297644.1, NM_001297645.2, NM_001318000.2 and 1 more transcripts); short protein forms I41V.
Identifiers: ClinVar variation 967779 (VCV000967779.31), dbSNP rs201232840, ClinGen allele CA3281832.
Genomic context (GRCh38, chr5:64,774,769, plus strand): 5'-GCTGGAGATATTGACATAGAGTTGTGGTCCAAAGAAGCTCCTAAAGCTTGCAGAAATTTT[A>G]TCCAACTTTGTTTGGAAGGTATGTTGACTTTTATTCTACTGGAGAAATTCTTGTTAATTT-3'
Protein context (NP_005860.2, residues 31-51): KEAPKACRNF[Ile41Val]QLCLEAYYDN

ClinVar aggregate classification (germline): Conflicting classifications of pathogenicity. Review status: criteria provided, conflicting classifications (1 of 4 stars). 5 submissions from 5 submitters: Uncertain significance (2); Likely benign (2). 1 of the submissions does not count toward it. Last evaluated 2026-09-01.

Conditions:
CWC27-related disorder. Also called: CWC27-related condition.
Retinal dystrophy. Also called: Inherited retinal dystrophy. Identifiers: Orphanet 71862, MedGen C0854723, MeSH D058499, MONDO:0019118, HP:0000556.

Allele frequency attached by ClinVar (database versions not stated): ESP Exome Variant Server 0.00008; TOPMed 0.00017; gnomAD exomes 0.00025; ExAC 0.00029.
gnomAD v4.1: 334 of 1,589,550 alleles (0.021%); highest among the groups gnomAD compares: Non-Finnish European, 0.027%; no homozygotes.

Submissions (5):

PreventionGenetics, part of Exact Sciences
Classification: Uncertain significance for CWC27-related condition. Last evaluated: 2026-09-01. Review status: criteria provided, single submitter. Criteria: ACMG Guidelines, 2015. Collection method: clinical testing. Allele origin: germline.
Comment: The CWC27 c.121A>G variant is predicted to result in the amino acid substitution p.Ile41Val. To our knowledge, this variant has not been reported in the literature. This variant is reported in 0.048% of alleles in individuals of European (Non-Finnish) descent in gnomAD. At this time, the clinical significance of this variant is uncertain due to the absence of conclusive functional and genetic evidence.

Blueprint Genetics
Classification: Likely benign. Last evaluated: 2024-11-25. Review status: criteria provided, single submitter. Criteria: ACMG Guidelines, 2015. Collection method: clinical testing. Allele origin: germline.

Labcorp Genetics (formerly Invitae), Labcorp
Classification: Uncertain significance. Last evaluated: 2024-01-18. Review status: criteria provided, single submitter. Criteria: Invitae Variant Classification Sherloc (09022015). Collection method: clinical testing. Allele origin: germline.
Comment: This sequence change replaces isoleucine, which is neutral and non-polar, with valine, which is neutral and non-polar, at codon 41 of the CWC27 protein (p.Ile41Val). This variant is present in population databases (rs201232840, gnomAD 0.05%). This variant has not been reported in the literature in individuals affected with CWC27-related conditions. ClinVar contains an entry for this variant (Variation ID: 967779). Algorithms developed to predict the effect of missense changes on protein structure and function output the following: SIFT: "Not Available"; PolyPhen-2: "Benign"; Align-GVGD: "Not Available". The valine amino acid residue is found in multiple mammalian species, which suggests that this missense change does not adversely affect protein function. In summary, the available evidence is currently insufficient to determine the role of this variant in disease. Therefore, it has been classified as a Variant of Uncertain Significance.

CeGaT Center for Human Genetics Tuebingen
Classification: Likely benign. Last evaluated: 2022-12-01. Review status: criteria provided, single submitter. Criteria: CeGaT Center For Human Genetics Tuebingen Variant Classification Criteria Version 2. Collection method: clinical testing. Allele origin: germline. Affected: yes. Observed: 1 variant allele.
Comment: CWC27: BP1

Institute of Human Genetics, Univ. Regensburg, Univ. Regensburg
Classification: Uncertain significance for Retinal dystrophy. Last evaluated: 2022-01-01. Review status: no assertion criteria provided. Criteria: ACMG Guidelines, 2015. Collection method: clinical testing. Allele origin: germline. Affected: yes. Not counted in ClinVar's aggregate classification.